The following is an entry in ClinVar:

ClinVar aggregate classification (germline): Uncertain significance. Review status: criteria provided, multiple submitters, no conflicts (2 of 4 stars). 4 submissions from 4 submitters: Uncertain significance (4). Last evaluated 2024-07-22.

Conditions:
5-Oxoprolinase deficiency (OPLAHD). Also called: 5-OXOPROLINURIA DUE TO 5-OXOPROLINASE DEFICIENCY. Identifiers: Orphanet 33572, MedGen C0268525, MONDO:0009825, OMIM 260005, HP:0040142.

Allele frequency attached by ClinVar (database versions not stated): gnomAD 0.00006 and 0.00008; TOPMed 0.00006; gnomAD exomes 0.00010 and 0.00011; ExAC 0.00011; 1000 Genomes Project 30x 0.00016; 1000 Genomes Project 0.00020.
gnomAD v4.1: 158 of 1,559,918 alleles (0.01%); highest among the groups gnomAD compares: South Asian, 0.047%; 1 homozygote.

Submissions (4):

Labcorp Genetics (formerly Invitae), Labcorp
Classification: Uncertain significance for 5-Oxoprolinase deficiency. Last evaluated: 2024-07-22. Review status: criteria provided, single submitter. Criteria: Invitae Variant Classification Sherloc (09022015). Collection method: clinical testing. Allele origin: germline.
Comment: This sequence change replaces arginine with histidine at codon 758 of the OPLAH protein (p.Arg758His). The arginine residue is highly conserved and there is a small physicochemical difference between arginine and histidine. This variant is present in population databases (rs200773486, gnomAD 0.05%). This variant has not been reported in the literature in individuals affected with OPLAH-related conditions. ClinVar contains an entry for this variant (Variation ID: 810334). An algorithm developed to predict the effect of missense changes on protein structure and function (PolyPhen-2) suggests that this variant is likely to be disruptive. In summary, the available evidence is currently insufficient to determine the role of this variant in disease. Therefore, it has been classified as a Variant of Uncertain Significance.

Ambry Genetics
Classification: Uncertain significance. Last evaluated: 2023-03-13. Review status: criteria provided, single submitter. Criteria: Ambry Variant Classification Scheme 2023. Collection method: clinical testing. Allele origin: germline.

Fulgent Genetics
Classification: Uncertain significance for 5-Oxoprolinase deficiency. Last evaluated: 2022-05-27. Review status: criteria provided, single submitter. Criteria: ACMG Guidelines, 2015. Collection method: clinical testing. Allele origin: unknown.

CeGaT Center for Human Genetics Tuebingen
Classification: Uncertain significance. Last evaluated: 2019-02-01. Review status: criteria provided, single submitter. Criteria: CeGaT Center For Human Genetics Tuebingen Variant Classification Criteria Version 2. Collection method: clinical testing. Allele origin: germline. Affected: yes. Observed: 3 variant alleles.

NM_017570.5(OPLAH):c.2273G>A (p.Arg758His)

Gene: OPLAH (5-oxoprolinase, ATP-hydrolysing; minus strand). Cytogenetic location: 8q24.3.
Variant type: single nucleotide variant.
Coding change: c.2273G>A on transcript NM_017570.5 (MANE Select); coding-DNA position 2273, G replaced by A.
Protein change: p.Arg758His; replaces arginine 758 with histidine.
Molecular consequence: missense variant.
Genome position (GRCh38, 1-based): chr8:144,055,165, C>T on the plus strand (G>A on the coding strand, the complement: OPLAH is on the minus strand). VCF-style: chr8-144055165-C-T. GRCh37 (hg19) VCF-style: chr8-145110068-C-T.
Other names: c.2273G>A (NM_017570.3); short protein forms R758H.
Identifiers: ClinVar variation 810334 (VCV000810334.48), dbSNP rs200773486, ClinGen allele CA4931514.